The following is an entry in ClinVar:

NM_004006.3(DMD):c.4530_4531del (p.Leu1512fs)

Gene: DMD (dystrophin; minus strand). Cytogenetic location: Xp21.1.
Variant type: Deletion.
Coding change: c.4530_4531del on transcript NM_004006.3 (MANE Select); coding-DNA positions 4530 to 4531, 2 bases deleted (AA; older notation c.4530_4531delAA).
Protein change: p.Leu1512fs; shifts the reading frame from leucine 1512.
Molecular consequence: frameshift variant.
Genome position (GRCh38, 1-based): chrX:32,386,453-32,386,454, TT deleted on the plus strand (AA on the coding strand, the reverse complement: DMD is on the minus strand); deleting any 2 consecutive bases within chrX:32,386,453-32,386,456 gives the same sequence; the c. name uses the placement nearest the transcript's 3' end. VCF-style (leftmost placement, unchanged base first): chrX-32386452-CTT-C. GRCh37 (hg19) VCF-style: chrX-32404569-CTT-C.
Other names: c.4506_4507del, p.Leu1504fs (NM_000109.4); c.4528_4529delAA, p.Leu1512Glufs (NM_004006.2); c.4518_4519del, p.Leu1508fs (NM_004009.3); c.4161_4162del, p.Leu1389fs (NM_004010.3); c.507_508del, p.Leu171fs (NM_004011.4); c.498_499del, p.Leu168fs (NM_004012.4); c.4530_4531del (NM_004006.2); short protein forms L1504fs, L1508fs, L168fs, L171fs, L1389fs, L1512fs.
Identifiers: ClinVar variation 2860627 (VCV002860627.4), dbSNP rs2097958789, ClinGen allele CA1132119565.
Genomic context (GRCh38, chrX:32,386,452, plus strand): 5'-TGTACAATCTGACGTCCAGTCTTTATCACCATTTCCACTTCAGACTTCACTTCACTCAGA[CTT>C]TTATACAAGTTCTAAGTTTAAACATAAAACAAAACATGATAATCAGTAGAGTTAAATTAT-3'

ClinVar aggregate classification (germline): Pathogenic/Likely pathogenic. Review status: criteria provided, multiple submitters, no conflicts (2 of 4 stars). 2 submissions from 2 submitters: Pathogenic (1); Likely pathogenic (1). Last evaluated 2025-03-28.

Conditions:
Duchenne muscular dystrophy (DMD). Also called: MUSCULAR DYSTROPHY, PSEUDOHYPERTROPHIC PROGRESSIVE, DUCHENNE TYPE; Duchenne Muscular Dystrophy (DMD). Identifiers: Orphanet 98896, MedGen C0013264, MONDO:0010679, OMIM 310200.

Submissions (2):

Labcorp Genetics (formerly Invitae), Labcorp
Classification: Pathogenic for Duchenne muscular dystrophy. Last evaluated: 2025-03-28. Review status: criteria provided, single submitter. Criteria: Invitae Variant Classification Sherloc (09022015). Collection method: clinical testing. Allele origin: germline.
Comment: This sequence change creates a premature translational stop signal (p.Leu1512Glufs*2) in the DMD gene. It is expected to result in an absent or disrupted protein product. Loss-of-function variants in DMD are known to be pathogenic (PMID: 16770791, 25007885). This variant is not present in population databases (gnomAD no frequency). This variant has not been reported in the literature in individuals affected with DMD-related conditions. ClinVar contains an entry for this variant (Variation ID: 2860627). For these reasons, this variant has been classified as Pathogenic.

Revvity Omics, Revvity
Classification: Likely pathogenic. Last evaluated: 2023-08-17. Review status: criteria provided, single submitter. Criteria: ACMG Guidelines, 2015. Collection method: clinical testing. Allele origin: germline.

Literature cited by the submitters: PubMed 16770791 (cited by Labcorp Genetics (formerly Invitae), Labcorp); PubMed 25007885 (cited by Labcorp Genetics (formerly Invitae), Labcorp).